The following is an entry in ClinVar:

ClinVar aggregate classification (germline): Uncertain significance (1 of 4 stars; one submission).

gnomAD v4.1: 14 of 1,551,138 alleles (0.0009%); highest among the groups gnomAD compares: African/African-American, 0.0014%; no homozygotes.

Submission:

Labcorp Genetics (formerly Invitae), Labcorp
Classification: Uncertain significance. Last evaluated: 2024-01-17. Review status: criteria provided, single submitter. Criteria: Invitae Variant Classification Sherloc (09022015). Collection method: clinical testing. Allele origin: germline.
Comment: This sequence change replaces proline, which is neutral and non-polar, with serine, which is neutral and polar, at codon 35 of the ANXA11 protein (p.Pro35Ser). The frequency data for this variant in the population databases is considered unreliable, as metrics indicate poor data quality at this position in the gnomAD database. This variant has not been reported in the literature in individuals affected with ANXA11-related conditions. Experimental studies and prediction algorithms are not available or were not evaluated, and the functional significance of this variant is currently unknown. In summary, the available evidence is currently insufficient to determine the role of this variant in disease. Therefore, it has been classified as a Variant of Uncertain Significance.

NM_145868.2(ANXA11):c.103C>T (p.Pro35Ser)

Gene: ANXA11 (annexin A11; minus strand). Cytogenetic location: 10q22.3.
Variant type: single nucleotide variant.
Coding change: c.103C>T on transcript NM_145868.2 (MANE Select); coding-DNA position 103, C replaced by T.
Protein change: p.Pro35Ser; replaces proline 35 with serine.
Molecular consequence: missense variant.
Genome position (GRCh38, 1-based): chr10:80,170,868, G>A on the plus strand (C>T on the coding strand, the complement: ANXA11 is on the minus strand). VCF-style: chr10-80170868-G-A. GRCh37 (hg19) VCF-style: chr10-81930624-G-A.
Other names: c.103C>T, p.Pro35Ser (NM_001157.3, NM_001278407.2, NM_001278408.2 and 1 more transcripts); c.4C>T, p.Pro2Ser (NM_001278409.2); short protein forms P35S, P2S.
Identifiers: ClinVar variation 3003048 (VCV003003048.3), dbSNP rs147346614, ClinGen allele CA5576387.